The following is an entry in ClinVar:

NM_004360.5(CDH1):c.999G>A (p.Leu333=)

Gene: CDH1 (cadherin 1; plus strand). Cytogenetic location: 16q22.1.
Variant type: single nucleotide variant.
Coding change: c.999G>A on transcript NM_004360.5 (MANE Select); coding-DNA position 999, G replaced by A.
Protein change: p.Leu333=; no amino-acid change (leucine 333 retained).
Molecular consequence: synonymous variant. On other transcripts: 5 prime UTR variant (2).
Genome position (GRCh38, 1-based): chr16:68,811,850, G>A. VCF-style: chr16-68811850-G-A. GRCh37 (hg19) VCF-style: chr16-68845753-G-A.
Other names: c.999G>A (LRG_301t1); c.999G>A, p.Leu333= (NM_001317184.2); c.-617G>A (NM_001317185.2); c.-821G>A (NM_001317186.2).
Identifiers: ClinVar variation 483269 (VCV000483269.6), dbSNP rs1555515662, ClinGen allele CA496152987.

ClinVar aggregate classification (germline): Benign/Likely benign. Review status: criteria provided, multiple submitters, no conflicts (2 of 4 stars). 2 submissions from 2 submitters: Benign (1); Likely benign (1). Last evaluated 2024-09-17.

Conditions:
Hereditary cancer-predisposing syndrome. Also called: Hereditary neoplastic syndrome; Neoplastic Syndromes, Hereditary; Tumor predisposition; Hereditary Cancer Syndrome. Identifiers: Orphanet 140162, MedGen C0027672, MeSH D009386, MONDO:0015356.
Hereditary diffuse gastric adenocarcinoma (HDGC). Also called: DIFFUSE GASTRIC AND LOBULAR BREAST CANCER SYNDROME. Identifiers: Orphanet 26106, MedGen C1708349, MONDO:0007648, OMIM 137215.

Submissions (2):

Myriad Genetics, Inc.
Classification: Benign for Hereditary diffuse gastric adenocarcinoma. Last evaluated: 2024-09-17. Review status: criteria provided, single submitter. Criteria: Myriad Autosomal Dominant, Autosomal Recessive and X-Linked Classification Criteria (2023). Collection method: clinical testing. Allele origin: unknown.
Comment: This variant is considered benign. This variant is a silent/synonymous amino acid change and it is not expected to impact splicing.

Ambry Genetics
Classification: Likely benign for Hereditary cancer-predisposing syndrome. Last evaluated: 2017-06-15. Review status: criteria provided, single submitter. Criteria: Ambry Variant Classification Scheme 2023. Collection method: clinical testing. Allele origin: germline.